The following is an entry in ClinVar:

ClinVar aggregate classification (germline): Uncertain significance. Review status: criteria provided, multiple submitters, no conflicts (2 of 4 stars). 2 submissions from 2 submitters: Uncertain significance (2). Last evaluated 2025-05-13.

Conditions:
Inborn genetic diseases. Identifiers: MedGen C0950123, MeSH D030342.

Allele frequency attached by ClinVar (database versions not stated): gnomAD 0.00001; TOPMed 0.00001; gnomAD exomes below 0.00001.

Submissions (2):

Ambry Genetics
Classification: Uncertain significance for Inborn genetic diseases. Last evaluated: 2025-05-13. Review status: criteria provided, single submitter. Criteria: Ambry Variant Classification Scheme 2023. Collection method: clinical testing. Allele origin: germline.

GeneDx
Classification: Uncertain significance. Last evaluated: 2020-01-02. Review status: criteria provided, single submitter. Criteria: GeneDx Variant Classification Process June 2021. Collection method: clinical testing. Allele origin: germline. Affected: yes.
Comment: Not observed in large population cohorts (Lek et al., 2016); The majority of missense variants in this gene are considered pathogenic (Stenson et al., 2014); In silico analysis, which includes protein predictors and evolutionary conservation, supports that this variant does not alter protein structure/function; Has not been previously published as pathogenic or benign to our knowledge

NM_024009.3(GJB3):c.727C>T (p.His243Tyr)

Gene: GJB3 (gap junction protein beta 3; plus strand). Cytogenetic location: 1p34.3.
Variant type: single nucleotide variant.
Coding change: c.727C>T on transcript NM_024009.3 (MANE Select); coding-DNA position 727, C replaced by T.
Protein change: p.His243Tyr; replaces histidine 243 with tyrosine.
Molecular consequence: missense variant.
Genome position (GRCh38, 1-based): chr1:34,785,489, C>T. VCF-style: chr1-34785489-C-T. GRCh37 (hg19) VCF-style: chr1-35251090-C-T.
Other names: c.727C>T, p.His243Tyr (NM_001005752.2); short protein forms H243Y.
Identifiers: ClinVar variation 1310301 (VCV001310301.3), dbSNP rs1455391539, ClinGen allele CA339316073.